The following is an entry in ClinVar:

NM_021096.4(CACNA1I):c.2734G>T (p.Gly912Trp)

Gene: CACNA1I (calcium voltage-gated channel subunit alpha1 I; plus strand). Cytogenetic location: 22q13.1.
Variant type: single nucleotide variant.
Coding change: c.2734G>T on transcript NM_021096.4 (MANE Select); coding-DNA position 2734, G replaced by T.
Protein change: p.Gly912Trp; replaces glycine 912 with tryptophan.
Molecular consequence: missense variant.
Genome position (GRCh38, 1-based): chr22:39,661,143, G>T. VCF-style: chr22-39661143-G-T. GRCh37 (hg19) VCF-style: chr22-40057148-G-T.
Other names: c.2629G>T, p.Gly877Trp (NM_001003406.2); short protein forms G877W, G912W.
Identifiers: ClinVar variation 3343378 (VCV003343378.1).
Genomic context (GRCh38, chr22:39,661,143, plus strand): 5'-CTCTGTCTCCATCTCACTCCTCCAGATCCCAAGCTCTGCCCAATCCCCATGACCCCCAAT[G>T]GGCACCTGGACCCCAGTCTCCCACTGGGTGGGCACCTAGGTCCTGCTGGGGCTGCGGGAC-3'
Protein context (NP_066919.2, residues 902-922): KLCPIPMTPN[Gly912Trp]HLDPSLPLGG

ClinVar aggregate classification (germline): Uncertain significance (1 of 4 stars; one submission).

Submission:

GeneDx
Classification: Uncertain significance. Last evaluated: 2023-05-09. Review status: criteria provided, single submitter. Criteria: GeneDx Variant Classification Process June 2021. Collection method: clinical testing. Allele origin: germline. Affected: yes.
Comment: Not observed at significant frequency in large population cohorts (gnomAD); In silico analysis supports that this missense variant has a deleterious effect on protein structure/function; Has not been previously published as pathogenic or benign to our knowledge